The following is an entry in ClinVar:

ClinVar aggregate classification (germline): Benign. Review status: criteria provided, multiple submitters, no conflicts (2 of 4 stars). 5 submissions from 5 submitters: Benign (4). 1 of the submissions does not count toward it. Last evaluated 2026-07-01.

Conditions:
Glycogen storage disease, type II (IOPD). Also called: CARDIOMEGALIA GLYCOGENICA DIFFUSA; GLYCOGENOSIS, GENERALIZED, CARDIAC FORM; GSD II; POMPE DISEASE, INFANTILE-ONSET; GLYCOGEN STORAGE DISEASE II, INFANTILE-ONSET; ACID ALPHA-GLUCOSIDASE DEFICIENCY, INFANTILE-ONSET. Identifiers: Orphanet 365, MedGen C0017921, MONDO:0009290, OMIM 232300.

Allele frequency attached by ClinVar (database versions not stated): 1000 Genomes Project 30x 0.17520; 1000 Genomes Project 0.17951; TOPMed 0.20361; gnomAD 0.22255; gnomAD exomes 0.26317.

Submissions (5):

Genomenon, Inc
Classification: Benign for Glycogen storage disease, type II. Last evaluated: 2026-07-01. Review status: criteria provided, single submitter. Criteria: Genomenon Sequence Variant Interpretation Standards - Updated. Collection method: curation. Allele origin: germline. Affected: no.
Comment: GAA c.*223C>T is a variant located in the 3′ untranslated region (3′ UTR). This variant is present at high allele frequency in population databases. We classify GAA c.*223C>T as a benign variant.

GeneDx
Classification: Benign. Last evaluated: 2018-06-26. Review status: criteria provided, single submitter. Criteria: GeneDx Variant Classification Process June 2021. Collection method: clinical testing. Allele origin: germline. Affected: yes.

Illumina Laboratory Services, Illumina
Classification: Benign for Glycogen storage disease, type II. Last evaluated: 2018-01-13. Review status: criteria provided, single submitter. Criteria: ICSL Variant Classification Criteria 13 December 2019. Collection method: clinical testing. Allele origin: germline.
Comment: This variant was observed in the ICSL laboratory as part of a predisposition screen in an ostensibly healthy population. It had not been previously curated by ICSL or reported in the Human Gene Mutation Database (HGMD: prior to June 1st, 2018), and was therefore a candidate for classification through an automated scoring system. Utilizing variant allele frequency, disease prevalence and penetrance estimates, and inheritance mode, an automated score was calculated to assess if this variant is too frequent to cause the disease. Based on the score and internal cut-off values, a variant classified as benign is not then subjected to further curation. The score for this variant resulted in a classification of benign for this disease.

Breakthrough Genomics
Classification: Benign. Review status: criteria provided, single submitter. Criteria: ACMG Guidelines, 2015. Collection method: not provided. Allele origin: germline. Inheritance: Autosomal recessive inheritance. Affected: yes.

Mayo Clinic Laboratories, Mayo Clinic
Classification: Benign. Last evaluated: 2015-12-07. Review status: no assertion criteria provided. Collection method: clinical testing. Allele origin: unknown. Not counted in ClinVar's aggregate classification.

NM_000152.5(GAA):c.*223C>T

Gene: GAA (alpha glucosidase; plus strand). Cytogenetic location: 17q25.3.
Variant type: single nucleotide variant.
Coding change: c.*223C>T on transcript NM_000152.5 (MANE Select); 223 bases downstream of the stop codon, C replaced by T.
Molecular consequence: 3 prime UTR variant.
Genome position (GRCh38, 1-based): chr17:80,119,554, C>T. VCF-style: chr17-80119554-C-T. GRCh37 (hg19) VCF-style: chr17-78093353-C-T.
Other names: c.*223C>T (LRG_673t1, NM_001079803.3, NM_001079804.3).
Identifiers: ClinVar variation 325803 (VCV000325803.13), dbSNP rs8132, ClinGen allele CA10647068.